The following is an entry in ClinVar:

ClinVar aggregate classification (germline): Uncertain significance (1 of 4 stars; one submission).

Conditions:
Perlman syndrome (PRLMNS). Identifiers: Orphanet 2849, MedGen C0796113, MONDO:0009965, OMIM 267000.

gnomAD v4.1: 5 of 1,613,878 alleles (0.00031%); highest among the groups gnomAD compares: Non-Finnish European, 0.00034%; no homozygotes.

Submission:

Labcorp Genetics (formerly Invitae), Labcorp
Classification: Uncertain significance for Perlman syndrome. Last evaluated: 2024-04-10. Review status: criteria provided, single submitter. Criteria: Invitae Variant Classification Sherloc (09022015). Collection method: clinical testing. Allele origin: germline.
Comment: This sequence change replaces serine, which is neutral and polar, with tyrosine, which is neutral and polar, at codon 55 of the DIS3L2 protein (p.Ser55Tyr). This variant is not present in population databases (gnomAD no frequency). This variant has not been reported in the literature in individuals affected with DIS3L2-related conditions. ClinVar contains an entry for this variant (Variation ID: 583361). An algorithm developed to predict the effect of missense changes on protein structure and function (PolyPhen-2) suggests that this variant is likely to be disruptive. In summary, the available evidence is currently insufficient to determine the role of this variant in disease. Therefore, it has been classified as a Variant of Uncertain Significance.

NM_152383.5(DIS3L2):c.164C>A (p.Ser55Tyr)

Gene: DIS3L2 (DIS3 like 3'-5' exoribonuclease 2; plus strand). Cytogenetic location: 2q37.1.
Variant type: single nucleotide variant.
Coding change: c.164C>A on transcript NM_152383.5 (MANE Select); coding-DNA position 164, C replaced by A.
Protein change: p.Ser55Tyr; replaces serine 55 with tyrosine.
Molecular consequence: missense variant. On other transcripts: non-coding transcript variant (2).
Genome position (GRCh38, 1-based): chr2:232,015,625, C>A. VCF-style: chr2-232015625-C-A. GRCh37 (hg19) VCF-style: chr2-232880335-C-A.
Other names: c.164C>A, p.Ser55Tyr (NM_001257281.2, NM_001257282.2); short protein forms S55Y.
Identifiers: ClinVar variation 583361 (VCV000583361.8), dbSNP rs1439183614, ClinGen allele CA351152040.